The following is an entry in ClinVar:

NM_002168.4(IDH2):c.95A>G (p.Gln32Arg)

Genes: IDH2 (isocitrate dehydrogenase (NADP(+)) 2; minus strand), IDH2-DT (IDH2 divergent transcript; plus strand). Cytogenetic location: 15q26.1.
Variant type: single nucleotide variant.
Coding change: c.95A>G on transcript NM_002168.4 (MANE Select); coding-DNA position 95, A replaced by G.
Protein change: p.Gln32Arg; replaces glutamine 32 with arginine.
Molecular consequence: missense variant. On other transcripts: non-coding transcript variant (1), 5 prime UTR variant (1).
Genome position (GRCh38, 1-based): chr15:90,102,296, T>C on the plus strand (A>G on the coding strand, the complement: IDH2 is on the minus strand). VCF-style: chr15-90102296-T-C. GRCh37 (hg19) VCF-style: chr15-90645528-T-C.
Other names: c.-38A>G (NM_001290114.2); short protein forms Q32R.
Identifiers: ClinVar variation 4778683 (VCV004778683.1).
Genomic context (GRCh38, chr15:90,102,296, plus strand): 5'-GGGGGCGCGCGCCTGCCTGGACCCTCCGCGCGGCACTCACAGTGGCGCCGCGGCTGCTCT[T>C]GCGAGGTGGGGGCTGTCAGGGCCGCCGGCGCCCAGGCCGGCCGCGAGCCTGAGGCTCTGC-3'
Protein context (NP_002159.2, residues 22-42): APAALTAPTS[Gln32Arg]EQPRRHYADK

ClinVar aggregate classification (germline): Uncertain significance (1 of 4 stars; one submission).

Conditions:
D-2-hydroxyglutaric aciduria 2 (D2HGA2). Identifiers: Orphanet 79315, MedGen C3150909, MONDO:0013345, OMIM 613657.

Submission:

Labcorp Genetics (formerly Invitae), Labcorp
Classification: Uncertain significance for D-2-hydroxyglutaric aciduria 2. Last evaluated: 2026-02-01. Review status: criteria provided, single submitter. Criteria: Invitae Variant Classification Sherloc (09022015). Collection method: clinical testing. Allele origin: germline.
Comment: This sequence change replaces glutamine, which is neutral and polar, with arginine, which is basic and polar, at codon 32 of the IDH2 protein (p.Gln32Arg). This variant is not present in population databases (gnomAD no frequency). This variant has not been reported in the literature in individuals affected with IDH2-related conditions. An algorithm developed to predict the effect of missense changes on protein structure and function (PolyPhen-2) suggests that this variant is likely to be tolerated. In summary, the available evidence is currently insufficient to determine the role of this variant in disease. Therefore, it has been classified as a Variant of Uncertain Significance.